The following is an entry in ClinVar:

NM_182493.3(MYLK3):c.206C>A (p.Ala69Asp)

Gene: MYLK3 (myosin light chain kinase 3; minus strand). Cytogenetic location: 16q11.2.
Variant type: single nucleotide variant.
Coding change: c.206C>A on transcript NM_182493.3 (MANE Select); coding-DNA position 206, C replaced by A.
Protein change: p.Ala69Asp; replaces alanine 69 with aspartic acid.
Molecular consequence: missense variant. On other transcripts: intron variant (1).
Genome position (GRCh38, 1-based): chr16:46,747,988, G>T on the plus strand (C>A on the coding strand, the complement: MYLK3 is on the minus strand). VCF-style: chr16-46747988-G-T. GRCh37 (hg19) VCF-style: chr16-46781900-G-T.
Other names: c.-113-7841C>A (NM_001308301.1); short protein forms A69D.
Identifiers: ClinVar variation 1480743 (VCV001480743.6), dbSNP rs990007731, ClinGen allele CA280241470.

ClinVar aggregate classification (germline): Uncertain significance (1 of 4 stars; one submission).

Allele frequency attached by ClinVar (database versions not stated): TOPMed 0.00001; gnomAD 0.00003.
gnomAD v4.1: 7 of 1,613,300 alleles (0.00043%); highest among the groups gnomAD compares: African/African-American, 0.008%; no homozygotes.

Submission:

Labcorp Genetics (formerly Invitae), Labcorp
Classification: Uncertain significance. Last evaluated: 2025-10-28. Review status: criteria provided, single submitter. Criteria: Invitae Variant Classification Sherloc (09022015). Collection method: clinical testing. Allele origin: germline.
Comment: This sequence change replaces alanine, which is neutral and non-polar, with aspartic acid, which is acidic and polar, at codon 69 of the MYLK3 protein (p.Ala69Asp). This variant is present in population databases (no rsID available, gnomAD 0.007%). This missense change has been observed in individuals with dilated cardiomyopathy (internal data). ClinVar contains an entry for this variant (Variation ID: 1480743). An algorithm developed to predict the effect of missense changes on protein structure and function (PolyPhen-2) suggests that this variant is likely to be disruptive. In summary, the available evidence is currently insufficient to determine the role of this variant in disease. Therefore, it has been classified as a Variant of Uncertain Significance.